The following is an entry in ClinVar:

ClinVar aggregate classification (germline): Uncertain significance (1 of 4 stars; one submission).

Conditions:
Infantile-onset X-linked spinal muscular atrophy. Also called: Spinal Muscular Atrophy, X-Linked Infantile; Spinal muscular atrophy, X-linked 2; AMC, DISTAL, X-LINKED; ARTHROGRYPOSIS, X-LINKED, TYPE I; SPINAL MUSCULAR ATROPHY, X-LINKED LETHAL INFANTILE. Identifiers: Orphanet 1145, MedGen C1844934, MONDO:0010532, OMIM 301830.

Submission:

Labcorp Genetics (formerly Invitae), Labcorp
Classification: Uncertain significance for Infantile-onset X-linked spinal muscular atrophy. Last evaluated: 2024-03-24. Review status: criteria provided, single submitter. Criteria: Invitae Variant Classification Sherloc (09022015). Collection method: clinical testing. Allele origin: germline.
Comment: This sequence change replaces threonine, which is neutral and polar, with isoleucine, which is neutral and non-polar, at codon 716 of the UBA1 protein (p.Thr716Ile). This variant is present in population databases (no rsID available, gnomAD 0.001%), including at least one homozygous and/or hemizygous individual. This variant has not been reported in the literature in individuals affected with UBA1-related conditions. An algorithm developed to predict the effect of missense changes on protein structure and function (PolyPhen-2) suggests that this variant is likely to be tolerated. In summary, the available evidence is currently insufficient to determine the role of this variant in disease. Therefore, it has been classified as a Variant of Uncertain Significance.

NM_003334.4(UBA1):c.2147C>T (p.Thr716Ile)

Gene: UBA1 (ubiquitin like modifier activating enzyme 1; plus strand). Cytogenetic location: Xp11.3.
Variant type: single nucleotide variant.
Coding change: c.2147C>T on transcript NM_003334.4 (MANE Select); coding-DNA position 2147, C replaced by T.
Protein change: p.Thr716Ile; replaces threonine 716 with isoleucine.
Molecular consequence: missense variant.
Genome position (GRCh38, 1-based): chrX:47,210,071, C>T. VCF-style: chrX-47210071-C-T. GRCh37 (hg19) VCF-style: chrX-47069470-C-T.
Other names: c.2147C>T, p.Thr716Ile (NM_153280.3); short protein forms T716I.
Identifiers: ClinVar variation 3624774 (VCV003624774.2).
Genomic context (GRCh38, chrX:47,210,071, plus strand): 5'-TGCTGCAGCGACCACAGACCTGGGCTGACTGCGTGACCTGGGCCTGCCACCACTGGCACA[C>T]CCAGTACTCGAACAACATCCGGCAGCTGCTGCACAACTTCCCTCCTGACCAGGTAATGCC-3'
Protein context (NP_003325.2, residues 706-726): CVTWACHHWH[Thr716Ile]QYSNNIRQLL